The following is an entry in ClinVar:

ClinVar aggregate classification (germline): Likely benign. Review status: criteria provided, multiple submitters, no conflicts (2 of 4 stars). 4 submissions from 3 submitters: Likely benign (4). Last evaluated 2025-05-11.

Conditions:
Developmental and epileptic encephalopathy, 14 (DEE14). Also called: Early infantile epileptic encephalopathy 14. Identifiers: Orphanet 293181, MedGen C3554195, MONDO:0013989, OMIM 614959.
Autosomal dominant nocturnal frontal lobe epilepsy 5. Also called: KCNT1-Related Epilepsy; CILIARY DYSKINESIA, PRIMARY, 28, WITHOUT SITUS INVERSUS; CILIARY DYSKINESIA, PRIMARY, 28, WITH SITUS INVERSUS; Epilepsy, nocturnal frontal lobe, 5. Identifiers: Orphanet 98784, MedGen C3554306, MONDO:0014002, OMIM 615005.

Allele frequency attached by ClinVar (database versions not stated): ExAC 0.00001; gnomAD exomes 0.00003; TOPMed 0.00003; gnomAD 0.00004 and 0.00005; 1000 Genomes Project 30x 0.00016; 1000 Genomes Project 0.00020.
gnomAD v4.1: 46 of 1,597,322 alleles (0.0029%); highest among the groups gnomAD compares: South Asian, 0.009%; no homozygotes.

Submissions (4):

Labcorp Genetics (formerly Invitae), Labcorp
Classification: Likely benign for Autosomal dominant nocturnal frontal lobe epilepsy 5; Developmental and epileptic encephalopathy, 14. Last evaluated: 2025-05-11. Review status: criteria provided, single submitter. Criteria: Invitae Variant Classification Sherloc (09022015). Collection method: clinical testing. Allele origin: germline.

Genome-Nilou Lab
Classification: Likely benign for Developmental and epileptic encephalopathy, 14. Last evaluated: 2022-03-15. Review status: criteria provided, single submitter. Criteria: ACMG Guidelines, 2015. Collection method: clinical testing. Allele origin: germline. Affected: no.

Genome-Nilou Lab
Classification: Likely benign for Autosomal dominant nocturnal frontal lobe epilepsy 5. Last evaluated: 2022-03-15. Review status: criteria provided, single submitter. Criteria: ACMG Guidelines, 2015. Collection method: clinical testing. Allele origin: germline. Affected: no.

GeneDx
Classification: Likely benign. Last evaluated: 2017-11-13. Review status: criteria provided, single submitter. Criteria: GeneDx Variant Classification (06012015). Collection method: clinical testing. Allele origin: germline. Affected: yes.
Comment: This variant is considered likely benign or benign based on one or more of the following criteria: it is a conservative change, it occurs at a poorly conserved position in the protein, it is predicted to be benign by multiple in silico algorithms, and/or has population frequency not consistent with disease.

NM_020822.3(KCNT1):c.2008+18C>T

Gene: KCNT1 (potassium sodium-activated channel subfamily T member 1; plus strand). Cytogenetic location: 9q34.3.
Variant type: single nucleotide variant.
Coding change: c.2008+18C>T on transcript NM_020822.3 (MANE Select); 18 bases into the intron after coding-DNA position 2008, C replaced by T.
Molecular consequence: intron variant.
Genome position (GRCh38, 1-based): chr9:135,771,113, C>T. VCF-style: chr9-135771113-C-T. GRCh37 (hg19) VCF-style: chr9-138662959-C-T.
Other names: c.1873+18C>T (NM_001272003.2).
Identifiers: ClinVar variation 384069 (VCV000384069.13), dbSNP rs370292952, ClinGen allele CA5327151.